The following is an entry in ClinVar:

NM_032043.3(BRIP1):c.3339A>G (p.Lys1113=)

Gene: BRIP1 (BRCA1 interacting DNA helicase 1; minus strand). Cytogenetic location: 17q23.2.
Variant type: single nucleotide variant.
Coding change: c.3339A>G on transcript NM_032043.3 (MANE Select); coding-DNA position 3339, A replaced by G.
Protein change: p.Lys1113=; no amino-acid change (lysine 1113 retained).
Molecular consequence: synonymous variant.
Genome position (GRCh38, 1-based): chr17:61,683,707, T>C on the plus strand (A>G on the coding strand, the complement: BRIP1 is on the minus strand). VCF-style: chr17-61683707-T-C. GRCh37 (hg19) VCF-style: chr17-59761068-T-C.
Identifiers: ClinVar variation 3379357 (VCV003379357.1).

ClinVar aggregate classification (germline): Benign (1 of 4 stars; one submission).

Conditions:
Familial cancer of breast. Also called: hereditary breast carcinoma; Hereditary breast cancer; BREAST CANCER, FAMILIAL. Identifiers: Orphanet 227535, MedGen C0346153, MONDO:0016419, OMIM 114480. Disease mechanism: loss of function.

Submission:

Myriad Genetics, Inc.
Classification: Benign for Familial cancer of breast. Last evaluated: 2024-09-10. Review status: criteria provided, single submitter. Criteria: Myriad Autosomal Dominant, Autosomal Recessive and X-Linked Classification Criteria (2023). Collection method: clinical testing. Allele origin: unknown.
Comment: This variant is considered benign. This variant is a silent/synonymous amino acid change and it is not expected to impact splicing.